The following is an entry in ClinVar:

NM_147127.5(EVC2):c.3377C>T (p.Ser1126Leu)

Gene: EVC2 (EvC ciliary complex subunit 2; minus strand). Cytogenetic location: 4p16.2.
Variant type: single nucleotide variant.
Coding change: c.3377C>T on transcript NM_147127.5 (MANE Select); coding-DNA position 3377, C replaced by T.
Protein change: p.Ser1126Leu; replaces serine 1126 with leucine.
Molecular consequence: missense variant.
Genome position (GRCh38, 1-based): chr4:5,568,624, G>A on the plus strand (C>T on the coding strand, the complement: EVC2 is on the minus strand). VCF-style: chr4-5568624-G-A. GRCh37 (hg19) VCF-style: chr4-5570351-G-A.
Other names: c.3377C>T (NM_147127.4); c.3137C>T, p.Ser1046Leu (NM_001166136.2); short protein forms S1046L, S1126L.
Identifiers: ClinVar variation 3758362 (VCV003758362.3).

ClinVar aggregate classification (germline): Uncertain significance. Review status: criteria provided, multiple submitters, no conflicts (2 of 4 stars). 2 submissions from 2 submitters: Uncertain significance (2). Last evaluated 2025-02-06.

Conditions:
Curry-Hall syndrome (WAD). Also called: WEYERS ACRODENTAL DYSOSTOSIS. Identifiers: Orphanet 952, MedGen C0457013, MONDO:0008673, OMIM 193530.
Ellis-van Creveld syndrome (EVC). Also called: EVC-Related Ellis-van Creveld Syndrome; EVC2-Related Ellis-van Creveld Syndrome; MESOECTODERMAL DYSPLASIA; Chondroectodermal dysplasia. Identifiers: Orphanet 289, MedGen C0013903, MONDO:0009162, OMIM 225500.
Inborn genetic diseases. Identifiers: MedGen C0950123, MeSH D030342.

gnomAD v4.1: 40 of 1,608,490 alleles (0.0025%); highest among the groups gnomAD compares: African/African-American, 0.019%; no homozygotes.

Submissions (2):

Ambry Genetics
Classification: Uncertain significance for Inborn genetic diseases. Last evaluated: 2025-02-06. Review status: criteria provided, single submitter. Criteria: Ambry Variant Classification Scheme 2023. Collection method: clinical testing. Allele origin: germline.

Labcorp Genetics (formerly Invitae), Labcorp
Classification: Uncertain significance for Curry-Hall syndrome; Ellis-van Creveld syndrome. Last evaluated: 2024-02-27. Review status: criteria provided, single submitter. Criteria: Invitae Variant Classification Sherloc (09022015). Collection method: clinical testing. Allele origin: germline.
Comment: This sequence change replaces serine, which is neutral and polar, with leucine, which is neutral and non-polar, at codon 1126 of the EVC2 protein (p.Ser1126Leu). This variant is present in population databases (rs201735294, gnomAD 0.02%). This variant has not been reported in the literature in individuals affected with EVC2-related conditions. An algorithm developed to predict the effect of missense changes on protein structure and function (PolyPhen-2) suggests that this variant is likely to be tolerated. In summary, the available evidence is currently insufficient to determine the role of this variant in disease. Therefore, it has been classified as a Variant of Uncertain Significance.